The following is an entry in ClinVar:

NM_007294.4(BRCA1):c.4937T>C (p.Val1646Ala)

Gene: BRCA1 (BRCA1 DNA repair associated; minus strand). Cytogenetic location: 17q21.31.
Variant type: single nucleotide variant.
Coding change: c.4937T>C on transcript NM_007294.4 (MANE Select); coding-DNA position 4937, T replaced by C.
Protein change: p.Val1646Ala; replaces valine 1646 with alanine.
Molecular consequence: missense variant. On other transcripts: non-coding transcript variant (1).
Genome position (GRCh38, 1-based): chr17:43,070,977, A>G on the plus strand (T>C on the coding strand, the complement: BRCA1 is on the minus strand). VCF-style: chr17-43070977-A-G. GRCh37 (hg19) VCF-style: chr17-41222994-A-G.
Other names: c.4931T>C, p.Val1644Ala (NM_001407629.1, NM_001407630.1, NM_001407631.1 and 14 more transcripts); c.4925T>C, p.Val1642Ala (NM_001407646.1); c.4922T>C, p.Val1641Ala (NM_001407647.1); c.4880T>C, p.Val1627Ala (NM_001407648.1); c.4877T>C, p.Val1626Ala (NM_001407649.1); c.4937T>C, p.Val1646Ala (NM_001407652.1, NM_001407593.1, NM_001407594.1 and 8 more transcripts); c.4859T>C, p.Val1620Ala (NM_001407653.1, NM_001407654.1, NM_001407655.1); c.4856T>C, p.Val1619Ala (NM_001407656.1, NM_001407657.1, NM_001407658.1); and 70 more; short protein forms V1646A, V542A, V1599A, V1667A, V1492A, V1557A, V1558A, V1602A.
Identifiers: ClinVar variation 868863 (VCV000868863.3), dbSNP rs28897694, ClinGen allele CA10591650.
Genomic context (GRCh38, chr17:43,070,977, plus strand): 5'-GATACACTCACAAATTCTTCTGGGGTCAGGCCAGACACCACCATGGACATTCTTTTGTTG[A>G]CCCTTTCTGTTGAAGCTGTCAATTCTGGCTTCTCCCTGCTCACACTTTCTTCCATTGCAT-3'
Protein context (NP_009225.1, residues 1636-1656): KPELTASTER[Val1646Ala]NKRMSMVVSG

Conditions:
Breast-ovarian cancer, familial, susceptibility to, 1 (BROVCA1). Also called: BRCA1 Hereditary Breast and Ovarian Cancer; OVARIAN CANCER, SUSCEPTIBILITY TO. Identifiers: Orphanet 145, MedGen C2676676, MONDO:0011450, OMIM 604370. Disease mechanism: loss of function.

Submission:

Brotman Baty Institute, University of Washington
No classification provided (evidence only). Condition: Breast-ovarian cancer, familial 1. Review status: no classification provided. Collection method: in vitro. Allele origin: not applicable. Functional consequence: functionally_normal.
ClinVar note: "not provided" was previously submitted as the classification for the variant. However, the classification appeared to be based only on an observation of functional data so it was converted to no classification on 2025-07-30.